The following is an entry in ClinVar:

ClinVar aggregate classification (germline): Uncertain significance (1 of 4 stars; one submission).

Conditions:
FGFR3-related chondrodysplasia. Identifiers: Orphanet 93420, MedGen C5681604, MONDO:0019685.

Submission:

Genomenon, Inc
Classification: Uncertain significance for FGFR3-related chondrodysplasia. Last evaluated: 2026-06-23. Review status: criteria provided, single submitter. Criteria: Genomenon Sequence Variant Interpretation Standards - Updated. Collection method: curation. Allele origin: germline. Affected: no.
Comment: FGFR3 p.Pro250Thr (c.748C>A) is a missense variant that changes the amino acid at codon 250 from Proline to Threonine. This variant has been reported in the published literature (PMID:31721094). This variant is located in a mutational hotspot and/or important functional domain. It is absent or not present at a significant frequency in gnomAD. In silico models predict that this variant is possibly or probably damaging. In conclusion, we classify FGFR3 p.Pro250Thr (c.748C>A) as a variant of uncertain significance.

Literature cited by the submitters: PubMed 31721094.

NM_000142.5(FGFR3):c.748C>A (p.Pro250Thr)

Gene: FGFR3 (fibroblast growth factor receptor 3; plus strand). Cytogenetic location: 4p16.3.
Variant type: single nucleotide variant.
Coding change: c.748C>A on transcript NM_000142.5 (MANE Select); coding-DNA position 748, C replaced by A.
Protein change: p.Pro250Thr; replaces proline 250 with threonine.
Molecular consequence: missense variant. On other transcripts: non-coding transcript variant (1).
Genome position (GRCh38, 1-based): chr4:1,801,843, C>A. VCF-style: chr4-1801843-C-A. GRCh37 (hg19) VCF-style: chr4-1803570-C-A.
Other names: c.748C>A, p.Pro250Thr (NM_001163213.2, NM_001354809.2, NM_001354810.2 and 1 more transcripts); short protein forms P250T.
Identifiers: ClinVar variation 4857827 (VCV004857827.1).
Genomic context (GRCh38, chr4:1,801,843, plus strand): 5'-GGCGGTGGTGGTGAGGGAGGGGGTGGCCCCTGAGCGTCATCTGCCCCCACAGAGCGCTCC[C>A]CGCACCGGCCCATCCTGCAGGCGGGGCTGCCGGCCAACCAGACGGCGGTGCTGGGCAGCG-3'
Protein context (NP_000133.1, residues 240-260): TYTLDVLERS[Pro250Thr]HRPILQAGLP